The following is an entry in ClinVar:

NM_000245.4(MET):c.3340+5del

Gene: MET (MET proto-oncogene, receptor tyrosine kinase; plus strand). Cytogenetic location: 7q31.2.
Variant type: Deletion.
Coding change: c.3340+5del on transcript NM_000245.4 (MANE Select); 5 bases into the intron after coding-DNA position 3340, one base deleted (G; older notation c.3340+5delG).
Molecular consequence: intron variant.
Genome position (GRCh38, 1-based): chr7:116,777,474, G deleted. VCF-style (leftmost placement, unchanged base first): chr7-116777473-AG-A. GRCh37 (hg19) VCF-style: chr7-116417527-AG-A.
Other names: c.3394+5del (NM_001127500.3); c.2050+5del (NM_001324402.2).
Identifiers: ClinVar variation 2745094 (VCV002745094.3), dbSNP rs2485816578, ClinGen allele CA2697557562.

ClinVar aggregate classification (germline): Uncertain significance (1 of 4 stars; one submission).

Conditions:
Renal cell carcinoma. Identifiers: Orphanet 217071, MedGen C0007134, MeSH D002292, MONDO:0005086, HP:0005584.

Submission:

Labcorp Genetics (formerly Invitae), Labcorp
Classification: Uncertain significance for Renal cell carcinoma. Last evaluated: 2023-07-19. Review status: criteria provided, single submitter. Criteria: Invitae Variant Classification Sherloc (09022015). Collection method: clinical testing. Allele origin: germline.
Comment: This sequence change falls in intron 16 of the MET gene. It does not directly change the encoded amino acid sequence of the MET protein. It affects a nucleotide within the consensus splice site. This variant is not present in population databases (gnomAD no frequency). This variant has not been reported in the literature in individuals affected with MET-related conditions. Variants that disrupt the consensus splice site are a relatively common cause of aberrant splicing (PMID: 17576681, 9536098). Algorithms developed to predict the effect of sequence changes on RNA splicing suggest that this variant may disrupt the consensus splice site. In summary, the available evidence is currently insufficient to determine the role of this variant in disease. Therefore, it has been classified as a Variant of Uncertain Significance.

Literature cited by the submitters: PubMed 17576681; PubMed 9536098.